The following is an entry in ClinVar:

NM_025114.4(CEP290):c.4674G>T (p.Lys1558Asn)

Gene: CEP290 (centrosomal protein 290; minus strand). Cytogenetic location: 12q21.32.
Variant type: single nucleotide variant.
Coding change: c.4674G>T on transcript NM_025114.4 (MANE Select); coding-DNA position 4674, G replaced by T.
Protein change: p.Lys1558Asn; replaces lysine 1558 with asparagine.
Molecular consequence: missense variant.
Genome position (GRCh38, 1-based): chr12:88,084,616, C>A on the plus strand (G>T on the coding strand, the complement: CEP290 is on the minus strand). VCF-style: chr12-88084616-C-A. GRCh37 (hg19) VCF-style: chr12-88478393-C-A.
Other names: short protein forms K1558N.
Identifiers: ClinVar variation 1937339 (VCV001937339.5), dbSNP rs2499985515, ClinGen allele CA385994595.

ClinVar aggregate classification (germline): Uncertain significance (1 of 4 stars; one submission).

Conditions:
Joubert syndrome. Also called: CEREBELLOPARENCHYMAL DISORDER IV; JOUBERT-BOLTSHAUSER SYNDROME; Familial aplasia of the vermis. Identifiers: Orphanet 475, MedGen C5979921, MONDO:0018772.
Meckel-Gruber syndrome. Also called: DYSENCEPHALIA SPLANCHNOCYSTICA; GRUBER SYNDROME; Dysencephalia splachnocystica. Identifiers: Orphanet 564, MedGen C0265215, MONDO:0018921.
Nephronophthisis. Also called: Juvenile Nephronophthisis. Identifiers: Orphanet 655, MedGen C0687120, MONDO:0019005, HP:0000090.

gnomAD v4.1: 1 of 1,612,194 alleles (0.000062%); highest among the groups gnomAD compares: Non-Finnish European, 0.000085%; no homozygotes.

Submission:

Labcorp Genetics (formerly Invitae), Labcorp
Classification: Uncertain significance for Joubert syndrome; Meckel-Gruber syndrome; Nephronophthisis. Last evaluated: 2022-03-26. Review status: criteria provided, single submitter. Criteria: Invitae Variant Classification Sherloc (09022015). Collection method: clinical testing. Allele origin: germline.
Comment: This variant has not been reported in the literature in individuals affected with CEP290-related conditions. This variant is not present in population databases (gnomAD no frequency). This sequence change replaces lysine, which is basic and polar, with asparagine, which is neutral and polar, at codon 1558 of the CEP290 protein (p.Lys1558Asn). Algorithms developed to predict the effect of missense changes on protein structure and function are either unavailable or do not agree on the potential impact of this missense change (SIFT: "Deleterious"; PolyPhen-2: "Probably Damaging"; Align-GVGD: "Class C0"). In summary, the available evidence is currently insufficient to determine the role of this variant in disease. Therefore, it has been classified as a Variant of Uncertain Significance.